The following is an entry in ClinVar:

ClinVar aggregate classification (germline): Uncertain significance (1 of 4 stars; one submission).

Conditions:
RASopathy. Also called: Noonan spectrum disorder; rasopathies. Identifiers: Orphanet 536391, MedGen C5555857, MONDO:0021060.

Submission:

Labcorp Genetics (formerly Invitae), Labcorp
Classification: Uncertain significance for RASopathy. Last evaluated: 2021-02-14. Review status: criteria provided, single submitter. Criteria: Invitae Variant Classification Sherloc (09022015). Collection method: clinical testing. Allele origin: germline.
Comment: In summary, the available evidence is currently insufficient to determine the role of this variant in disease. Therefore, it has been classified as a Variant of Uncertain Significance. Experimental studies and prediction algorithms are not available or were not evaluated, and the functional significance of this variant is currently unknown. This variant has not been reported in the literature in individuals with SOS1-related conditions. This variant results in a copy number gain of the genomic region encompassing exon(s) 1 of the SOS1 gene. This region includes the initiator codon of the gene. The 5' end of this event is unknown as it extends beyond the assayed region for this gene and therefore may encompass additional genes. The 3' boundary is likely confined to intron 1 of the SOS1 gene. As the precise location of this event is unknown, it may be in tandem or it may be located elsewhere in the genome.

NC_000002.11:g.(?_39347457)_(39347563_?)dup

Gene: SOS1 (SOS Ras/Rac guanine nucleotide exchange factor 1; minus strand). Cytogenetic location: 2p22.1.
Variant type: Duplication.
Identifiers: ClinVar variation 1411392 (VCV001411392.4).